The following is an entry in ClinVar:

ClinVar aggregate classification (germline): Benign. Review status: criteria provided, multiple submitters, no conflicts (2 of 4 stars). 8 submissions from 8 submitters: Benign (6). 2 of the submissions do not count toward it. Last evaluated 2026-02-04.

Conditions:
Nemaline myopathy 2 (NEM2). Also called: Nemaline myopathy 2, autosomal recessive. Identifiers: MedGen C1850569, MONDO:0009725, OMIM 256030.

Allele frequency attached by ClinVar (database versions not stated): gnomAD exomes 0.00080 and 0.00222; ExAC 0.00259; ESP Exome Variant Server 0.00774; gnomAD 0.00838 and 0.00914; 1000 Genomes Project 30x 0.00890; 1000 Genomes Project 0.00899; TOPMed 0.00946.

Submissions (8):

Labcorp Genetics (formerly Invitae), Labcorp
Classification: Benign for Nemaline myopathy 2. Last evaluated: 2026-02-04. Review status: criteria provided, single submitter. Criteria: Invitae Variant Classification Sherloc (09022015). Collection method: clinical testing. Allele origin: germline.

Mayo Clinic Laboratories, Mayo Clinic
Classification: Benign. Last evaluated: 2018-10-04. Review status: criteria provided, single submitter. Criteria: ACMG Guidelines, 2015. Collection method: clinical testing. Allele origin: germline. Observed: 4 variant alleles.

Athena Diagnostics
Classification: Benign. Last evaluated: 2018-06-11. Review status: criteria provided, single submitter. Criteria: Athena Diagnostics Criteria. Collection method: clinical testing. Allele origin: germline.

Illumina Laboratory Services, Illumina
Classification: Benign for Nemaline myopathy 2. Last evaluated: 2018-01-12. Review status: criteria provided, single submitter. Criteria: ICSL Variant Classification Criteria 13 December 2019. Collection method: clinical testing. Allele origin: germline.
Comment: This variant was observed in the ICSL laboratory as part of a predisposition screen in an ostensibly healthy population. It had not been previously curated by ICSL or reported in the Human Gene Mutation Database (HGMD: prior to June 1st, 2018), and was therefore a candidate for classification through an automated scoring system. Utilizing variant allele frequency, disease prevalence and penetrance estimates, and inheritance mode, an automated score was calculated to assess if this variant is too frequent to cause the disease. Based on the score and internal cut-off values, a variant classified as benign is not then subjected to further curation. The score for this variant resulted in a classification of benign for this disease.

GeneDx
Classification: Benign. Last evaluated: 2017-01-19. Review status: criteria provided, single submitter. Criteria: GeneDx Variant Classification (06012015). Collection method: clinical testing. Allele origin: germline. Affected: yes.
Comment: This variant is considered likely benign or benign based on one or more of the following criteria: it is a conservative change, it occurs at a poorly conserved position in the protein, it is predicted to be benign by multiple in silico algorithms, and/or has population frequency not consistent with disease.

Breakthrough Genomics
Classification: Benign. Review status: criteria provided, single submitter. Criteria: ACMG Guidelines, 2015. Collection method: not provided. Allele origin: germline. Inheritance: Autosomal recessive inheritance. Affected: yes.

Natera, Inc.
Classification: Benign for Nemaline myopathy type 2. Last evaluated: 2020-09-16. Review status: no assertion criteria provided. Collection method: clinical testing. Allele origin: germline. Not counted in ClinVar's aggregate classification.

Genetic Services Laboratory, University of Chicago
Classification: Likely benign for AllHighlyPenetrant. Review status: no assertion criteria provided. Collection method: clinical testing. Allele origin: germline. Inheritance: Autosomal recessive inheritance. Not counted in ClinVar's aggregate classification.
Comment: Likely benign based on allele frequency in 1000 Genomes Project or ESP global frequency and its presence in a patient with a rare or unrelated disease phenotype. NOT Sanger confirmed.

NM_001164508.2(NEB):c.11769T>C (p.Ile3923=)

Gene: NEB (nebulin; minus strand). Cytogenetic location: 2q23.3.
Variant type: single nucleotide variant.
Coding change: c.11769T>C on transcript NM_001164508.2 (MANE Select); coding-DNA position 11769, T replaced by C.
Protein change: p.Ile3923=; no amino-acid change (isoleucine 3923 retained).
Molecular consequence: synonymous variant.
Genome position (GRCh38, 1-based): chr2:151,612,222, A>G on the plus strand (T>C on the coding strand, the complement: NEB is on the minus strand). VCF-style: chr2-151612222-A-G. GRCh37 (hg19) VCF-style: chr2-152468736-A-G.
Other names: p.Ile3923=; c.11769T>C, p.Ile3923= (NM_001164507.2, NM_001271208.2); c.11040T>C, p.Ile3680= (NM_004543.5).
Identifiers: ClinVar variation 129708 (VCV000129708.24), dbSNP rs80320923, ClinGen allele CA153888.